The following is an entry in ClinVar:

ClinVar aggregate classification (germline): Uncertain significance (0 of 4 stars; one submission).

Conditions:
H19-related disorder. Also called: H19-related condition.

Submission:

PreventionGenetics, part of Exact Sciences
Classification: Uncertain significance for H19-related condition. Last evaluated: 2024-04-08. Review status: no assertion criteria provided. Collection method: clinical testing. Allele origin: germline.
Comment: The H19 n.-2787T>C variant is predicted to interfere with splicing. To our knowledge, this variant has not been reported in the literature. However, other variants in this region have been reported in individuals with Silver-Russell syndrome (Demars et al. 2010. PubMed ID: 20007505). This variant is reported in 0.0067% of alleles in individuals of European (Non-Finnish) descent in gnomAD. At this time, the clinical significance of this variant is uncertain due to the absence of conclusive functional and genetic evidence.

NC_000011.10:g.2000662A>G

Genes: H19 (H19 imprinted maternally expressed transcript; minus strand), H19-ICR (H19/IGF2 imprinting control region; plus strand), MRPL23 (mitochondrial ribosomal protein L23; plus strand). Cytogenetic location: 11p15.5.
Variant type: single nucleotide variant.
Molecular consequence: intron variant (on NM_001400176.1).
Genome position: GRCh38 VCF-style: chr11-2000662-A-G. GRCh37 (hg19) VCF-style: chr11-2021892-A-G.
Other names: c.498-10879A>G (NM_001400176.1).
Identifiers: ClinVar variation 3356765 (VCV003356765.1).